The following is an entry in ClinVar:

NM_007294.4(BRCA1):c.5459G>C (p.Gly1820Ala)

Gene: BRCA1 (BRCA1 DNA repair associated; minus strand). Cytogenetic location: 17q21.31.
Variant type: single nucleotide variant.
Coding change: c.5459G>C on transcript NM_007294.4 (MANE Select); coding-DNA position 5459, G replaced by C.
Protein change: p.Gly1820Ala; replaces glycine 1820 with alanine.
Molecular consequence: missense variant. On other transcripts: non-coding transcript variant (1).
Genome position (GRCh38, 1-based): chr17:43,047,651, C>G on the plus strand (G>C on the coding strand, the complement: BRCA1 is on the minus strand). VCF-style: chr17-43047651-C-G. GRCh37 (hg19) VCF-style: chr17-41199668-C-G.
Other names: c.5456G>C, p.Gly1819Ala (NM_001407623.1, NM_001407624.1, NM_001407625.1 and 14 more transcripts); c.5453G>C, p.Gly1818Ala (NM_001407627.1, NM_001407628.1, NM_001407629.1 and 13 more transcripts); c.5450G>C, p.Gly1817Ala (NM_001407644.1, NM_001407645.1); c.5447G>C, p.Gly1816Ala (NM_001407646.1); c.5444G>C, p.Gly1815Ala (NM_001407647.1); c.5402G>C, p.Gly1801Ala (NM_001407648.1); c.5399G>C, p.Gly1800Ala (NM_001407649.1); c.5381G>C, p.Gly1794Ala (NM_001407652.1, NM_001407653.1, NM_001407654.1 and 1 more transcripts); and 83 more; short protein forms G716A, G1820A, G1841A, W691C, G1773A, G1523A, G1651A, G1730A.
Identifiers: ClinVar variation 865545 (VCV000865545.3), dbSNP rs2050978714, ClinGen allele CA10590453.

Conditions:
Breast-ovarian cancer, familial, susceptibility to, 1 (BROVCA1). Also called: BRCA1 Hereditary Breast and Ovarian Cancer; OVARIAN CANCER, SUSCEPTIBILITY TO. Identifiers: Orphanet 145, MedGen C2676676, MONDO:0011450, OMIM 604370. Disease mechanism: loss of function.

Submission:

Brotman Baty Institute, University of Washington
No classification provided (evidence only). Condition: Breast-ovarian cancer, familial 1. Review status: no classification provided. Collection method: in vitro. Allele origin: not applicable. Functional consequence: function_uncertain_variant.
ClinVar note: "not provided" was previously submitted as the classification for the variant. However, the classification appeared to be based only on an observation of functional data so it was converted to no classification on 2025-07-30.